The following is an entry in ClinVar:

ClinVar aggregate classification (germline): Uncertain significance (1 of 4 stars; one submission).

Conditions:
Neurodegeneration with brain iron accumulation 5 (NBIA5). Also called: STATIC ENCEPHALOPATHY OF CHILDHOOD WITH NEURODEGENERATION IN ADULTHOOD; Beta-propeller protein-associated neurodegeneration. Identifiers: Orphanet 329284, MedGen C3550973, MONDO:0010476, OMIM 300894.

Submission:

Labcorp Genetics (formerly Invitae), Labcorp
Classification: Uncertain significance for Neurodegeneration with brain iron accumulation 5. Last evaluated: 2025-12-21. Review status: criteria provided, single submitter. Criteria: Invitae Variant Classification Sherloc (09022015). Collection method: clinical testing. Allele origin: germline.
Comment: This sequence change replaces glutamine, which is neutral and polar, with histidine, which is basic and polar, at codon 203 of the WDR45 protein (p.Gln203His). This variant is not present in population databases (gnomAD no frequency). This variant has not been reported in the literature in individuals affected with WDR45-related conditions. Invitae Evidence Modeling of protein sequence and biophysical properties (such as structural, functional, and spatial information, amino acid conservation, physicochemical variation, residue mobility, and thermodynamic stability) indicates that this missense variant is not expected to disrupt WDR45 protein function with a negative predictive value of 80%. Algorithms developed to predict the effect of sequence changes on RNA splicing suggest that this variant may create or strengthen a splice site. In summary, the available evidence is currently insufficient to determine the role of this variant in disease. Therefore, it has been classified as a Variant of Uncertain Significance.

NM_001029896.2(WDR45):c.606G>C (p.Gln202His)

Gene: WDR45 (WD repeat domain 45; minus strand). Cytogenetic location: Xp11.23.
Variant type: single nucleotide variant.
Coding change: c.606G>C on transcript NM_001029896.2 (MANE Select); coding-DNA position 606, G replaced by C.
Protein change: p.Gln202His; replaces glutamine 202 with histidine.
Molecular consequence: missense variant.
Genome position (GRCh38, 1-based): chrX:49,075,664, C>G on the plus strand (G>C on the coding strand, the complement: WDR45 is on the minus strand). VCF-style: chrX-49075664-C-G. GRCh37 (hg19) VCF-style: chrX-48933323-C-G.
Other names: c.609G>C, p.Gln203His (NM_007075.4); short protein forms Q202H, Q203H.
Identifiers: ClinVar variation 4745350 (VCV004745350.1).
Genomic context (GRCh38, chrX:49,075,664, plus strand): 5'-TGTGTCAAAGAGGCGAATAAGGGTACCCTTCTGGGAGGCTGAGGCCACTACAGTGCCTGG[C>G]TGGTTTAGAGACACACAGGCTATGTCACTCTGATGTGCATTGATCGTGAATGGAGCAGAC-3'
Protein context (NP_001025067.1, residues 192-212): QSDIACVSLN[Gln202His]PGTVVASASQ